The following is an entry in ClinVar:

NM_001378120.1(MBD5):c.2731C>T (p.Pro911Ser)

Gene: MBD5 (methyl-CpG binding domain protein 5; plus strand). Cytogenetic location: 2q23.1.
Variant type: single nucleotide variant.
Coding change: c.2731C>T on transcript NM_001378120.1 (MANE Select); coding-DNA position 2731, C replaced by T.
Protein change: p.Pro911Ser; replaces proline 911 with serine.
Molecular consequence: missense variant.
Genome position (GRCh38, 1-based): chr2:148,483,322, C>T. VCF-style: chr2-148483322-C-T. GRCh37 (hg19) VCF-style: chr2-149240891-C-T.
Other names: c.2731C>T, p.Pro911Ser (NM_018328.5); short protein forms P911S.
Identifiers: ClinVar variation 3896381 (VCV003896381.2).

ClinVar aggregate classification (germline): Uncertain significance (1 of 4 stars; one submission).

gnomAD v4.1: 3 of 1,614,108 alleles (0.00019%); highest among the groups gnomAD compares: Non-Finnish European, 0.00025%; no homozygotes.

Submission:

Women's Health and Genetics/Laboratory Corporation of America, LabCorp
Classification: Uncertain significance. Last evaluated: 2025-04-09. Review status: criteria provided, single submitter. Criteria: LabCorp Variant Classification Summary - May 2015. Collection method: clinical testing. Allele origin: germline.
Comment: Variant summary: MBD5 c.2731C>T (p.Pro911Ser) results in a non-conservative amino acid change in the encoded protein sequence. Three of five in-silico tools predict a benign effect of the variant on protein function. The variant was absent in 251390 control chromosomes. The available data on variant occurrences in the general population are insufficient to allow any conclusion about variant significance. To our knowledge, no occurrence of c.2731C>T in individuals affected with MBD5 Associated Neurodevelopmental Disorder and no experimental evidence demonstrating its impact on protein function have been reported. No submitters have cited clinical-significance assessments for this variant to ClinVar. Based on the evidence outlined above, the variant was classified as uncertain significance.